The following is an entry in ClinVar:

ClinVar aggregate classification (germline): Likely pathogenic (1 of 4 stars; one submission).

Conditions:
Hereditary nonpolyposis colorectal neoplasms. Identifiers: MedGen C0009405, MeSH D003123.

Submission:

Labcorp Genetics (formerly Invitae), Labcorp
Classification: Likely pathogenic for Hereditary nonpolyposis colorectal neoplasms. Last evaluated: 2022-07-22. Review status: criteria provided, single submitter. Criteria: Invitae Variant Classification Sherloc (09022015). Collection method: clinical testing. Allele origin: germline.
Comment: In summary, the currently available evidence indicates that the variant is pathogenic, but additional data are needed to prove that conclusively. Therefore, this variant has been classified as Likely Pathogenic. This variant disrupts the p.Thr767 amino acid residue in MSH6. Other variant(s) that disrupt this residue have been determined to be pathogenic (PMID: 29755653, 31100584). This suggests that this residue is clinically significant, and that variants that disrupt this residue are likely to be disease-causing. This sequence change replaces threonine, which is neutral and polar, with proline, which is neutral and non-polar, at codon 767 of the MSH6 protein (p.Thr767Pro). This variant is not present in population databases (gnomAD no frequency). This variant has not been reported in the literature in individuals affected with MSH6-related conditions. Advanced modeling of protein sequence and biophysical properties (such as structural, functional, and spatial information, amino acid conservation, physicochemical variation, residue mobility, and thermodynamic stability) performed at Invitae indicates that this missense variant is expected to disrupt MSH6 protein function.

Literature cited by the submitters: PubMed 29755653; PubMed 31100584.

NM_000179.3(MSH6):c.2299A>C (p.Thr767Pro)

Gene: MSH6 (mutS homolog 6; plus strand). Cytogenetic location: 2p16.3.
Variant type: single nucleotide variant.
Coding change: c.2299A>C on transcript NM_000179.3 (MANE Select); coding-DNA position 2299, A replaced by C.
Protein change: p.Thr767Pro; replaces threonine 767 with proline.
Molecular consequence: missense variant.
Genome position (GRCh38, 1-based): chr2:47,800,282, A>C. VCF-style: chr2-47800282-A-C. GRCh37 (hg19) VCF-style: chr2-48027421-A-C.
Other names: c.1909A>C, p.Thr637Pro (NM_001281492.2); c.1393A>C, p.Thr465Pro (NM_001281493.2, NM_001281494.2, NM_001406823.1 and 6 more transcripts); c.2395A>C, p.Thr799Pro (NM_001406795.1, NM_001406802.1); c.2299A>C, p.Thr767Pro (NM_001406796.1, NM_001406798.1, NM_001406800.1 and 3 more transcripts); c.2002A>C, p.Thr668Pro (NM_001406797.1, NM_001406801.1, NM_001406805.1 and 10 more transcripts); c.1774A>C, p.Thr592Pro (NM_001406799.1, NM_001406806.1, NM_001406807.1); c.2221A>C, p.Thr741Pro (NM_001406804.1); c.2131A>C, p.Thr711Pro (NM_001406826.1); and 1 more; short protein forms T465P, T711P, T668P, T769P, T799P, T592P, T767P, T637P.
Identifiers: ClinVar variation 2016619 (VCV002016619.4), dbSNP rs774452933, ClinGen allele CA346753019.